The following is an entry in ClinVar:

ClinVar aggregate classification (germline): Likely benign. Review status: criteria provided, single submitter (1 of 4 stars). 2 submissions from 2 submitters: Likely benign (1). 1 of the submissions does not count toward it. Last evaluated 2025-12-03.

Conditions:
DNAH1-related disorder. Also called: DNAH1-related condition.
Spermatogenic failure 18. Identifiers: MedGen C4539783, MONDO:0054615, OMIM 617576.
Ciliary dyskinesia, primary, 37 (CILD37). Also called: CILIARY DYSKINESIA, PRIMARY, 37, WITH OR WITHOUT SITUS INVERSUS. Identifiers: MedGen C4539798, MONDO:0033204, OMIM 617577.

Allele frequency attached by ClinVar (database versions not stated): ExAC 0.00002; gnomAD exomes 0.00004.
gnomAD v4.1: 56 of 1,584,674 alleles (0.0035%); highest among the groups gnomAD compares: Non-Finnish European, 0.0045%; no homozygotes.

Submissions (2):

Labcorp Genetics (formerly Invitae), Labcorp
Classification: Likely benign for Ciliary dyskinesia, primary, 37; Spermatogenic failure 18. Last evaluated: 2025-12-03. Review status: criteria provided, single submitter. Criteria: Invitae Variant Classification Sherloc (09022015). Collection method: clinical testing. Allele origin: germline.

PreventionGenetics, part of Exact Sciences
Classification: Likely benign for DNAH1-related condition. Last evaluated: 2023-11-30. Review status: no assertion criteria provided. Collection method: clinical testing. Allele origin: germline. Not counted in ClinVar's aggregate classification.
Comment: This variant is classified as likely benign based on ACMG/AMP sequence variant interpretation guidelines (Richards et al. 2015 PMID: 25741868, with internal and published modifications).

NM_015512.5(DNAH1):c.333+10G>A

Gene: DNAH1 (dynein axonemal heavy chain 1; plus strand). Cytogenetic location: 3p21.1.
Variant type: single nucleotide variant.
Coding change: c.333+10G>A on transcript NM_015512.5 (MANE Select); 10 bases into the intron after coding-DNA position 333, G replaced by A.
Molecular consequence: intron variant.
Genome position (GRCh38, 1-based): chr3:52,322,785, G>A. VCF-style: chr3-52322785-G-A. GRCh37 (hg19) VCF-style: chr3-52356801-G-A.
Identifiers: ClinVar variation 3043788 (VCV003043788.4), dbSNP rs775277811, ClinGen allele CA2432598.